The following is an entry in ClinVar:

NM_015338.6(ASXL1):c.1180C>T (p.Arg394Cys)

Gene: ASXL1 (ASXL transcriptional regulator 1; plus strand). Cytogenetic location: 20q11.21.
Variant type: single nucleotide variant.
Coding change: c.1180C>T on transcript NM_015338.6 (MANE Select); coding-DNA position 1180, C replaced by T.
Protein change: p.Arg394Cys; replaces arginine 394 with cysteine.
Molecular consequence: missense variant.
Genome position (GRCh38, 1-based): chr20:32,433,378, C>T. VCF-style: chr20-32433378-C-T. GRCh37 (hg19) VCF-style: chr20-31021181-C-T.
Other names: c.997C>T, p.Arg333Cys (NM_001363734.1); c.1180C>T (NM_015338.5); short protein forms R394C, R333C.
Identifiers: ClinVar variation 1358253 (VCV001358253.9), dbSNP rs534065676, ClinGen allele CA9808310.

ClinVar aggregate classification (germline): Conflicting classifications of pathogenicity. Review status: criteria provided, conflicting classifications (1 of 4 stars). 2 submissions from 2 submitters: Uncertain significance (1); Likely benign (1). Last evaluated 2025-10-10.

Conditions:
Inborn genetic diseases. Identifiers: MedGen C0950123, MeSH D030342.

Allele frequency attached by ClinVar (database versions not stated): ExAC 0.00004; gnomAD 0.00004 and 0.00003; gnomAD exomes 0.00004 and 0.00001; 1000 Genomes Project 30x 0.00031; 1000 Genomes Project 0.00040; TOPMed 0.00002.
gnomAD v4.1: 26 of 1,614,136 alleles (0.0016%); highest among the groups gnomAD compares: South Asian, 0.013%; no homozygotes.

Submissions (2):

Labcorp Genetics (formerly Invitae), Labcorp
Classification: Uncertain significance. Last evaluated: 2025-10-10. Review status: criteria provided, single submitter. Criteria: Invitae Variant Classification Sherloc (09022015). Collection method: clinical testing. Allele origin: germline.
Comment: This sequence change replaces arginine, which is basic and polar, with cysteine, which is neutral and slightly polar, at codon 394 of the ASXL1 protein (p.Arg394Cys). This variant is present in population databases (rs534065676, gnomAD 0.02%). This variant has not been reported in the literature in individuals affected with ASXL1-related conditions. ClinVar contains an entry for this variant (Variation ID: 1358253). An algorithm developed to predict the effect of missense changes on protein structure and function (PolyPhen-2) suggests that this variant is likely to be disruptive. In summary, the available evidence is currently insufficient to determine the role of this variant in disease. Therefore, it has been classified as a Variant of Uncertain Significance.

Ambry Genetics
Classification: Likely benign for Inborn genetic diseases. Last evaluated: 2025-04-19. Review status: criteria provided, single submitter. Criteria: Ambry Variant Classification Scheme 2023. Collection method: clinical testing. Allele origin: germline.